The following is an entry in ClinVar:

ClinVar aggregate classification (germline): Likely benign (1 of 4 stars; one submission).

gnomAD v4.1: 1 of 1,599,466 alleles (0.000063%); highest among the groups gnomAD compares: Non-Finnish European, 0.000085%; no homozygotes.

Submission:

CeGaT Center for Human Genetics Tuebingen
Classification: Likely benign. Last evaluated: 2025-02-01. Review status: criteria provided, single submitter. Criteria: CeGaT Center For Human Genetics Tuebingen Variant Classification Criteria Version 2. Collection method: clinical testing. Allele origin: germline. Affected: yes. Observed: 1 variant allele.
Comment: NEFH: BP4, BP7

NM_021076.4(NEFH):c.2232T>A (p.Ala744=)

Gene: NEFH (neurofilament heavy chain; plus strand). Cytogenetic location: 22q12.2.
Variant type: single nucleotide variant.
Coding change: c.2232T>A on transcript NM_021076.4 (MANE Select); coding-DNA position 2232, T replaced by A.
Protein change: p.Ala744=; no amino-acid change (alanine 744 retained).
Molecular consequence: synonymous variant.
Genome position (GRCh38, 1-based): chr22:29,489,872, T>A. VCF-style: chr22-29489872-T-A. GRCh37 (hg19) VCF-style: chr22-29885861-T-A.
Identifiers: ClinVar variation 3770469 (VCV003770469.13).
Genomic context (GRCh38, chr22:29,489,872, plus strand): 5'-CCCAGTGAAGGAAGAAGCAAAGACCCCCGAGAAGGCCAAGTCCCCAGTGAAGGAAGAAGC[T>A]AAGTCCCCAGAGAAGGCCAAGTCCCCAGAGAAGGCCAAGACTCTTGATGTGAAGTCTCCA-3'
Protein context (NP_066554.2, residues 734-754): EKAKSPVKEE[Ala744=]KSPEKAKSPE